The following is an entry in ClinVar:

NM_006231.4(POLE):c.1456C>T (p.Pro486Ser)

Gene: POLE (DNA polymerase epsilon, catalytic subunit; minus strand). Cytogenetic location: 12q24.33.
Variant type: single nucleotide variant.
Coding change: c.1456C>T on transcript NM_006231.4 (MANE Select); coding-DNA position 1456, C replaced by T.
Protein change: p.Pro486Ser; replaces proline 486 with serine.
Molecular consequence: missense variant.
Genome position (GRCh38, 1-based): chr12:132,673,181, G>A on the plus strand (C>T on the coding strand, the complement: POLE is on the minus strand). VCF-style: chr12-132673181-G-A. GRCh37 (hg19) VCF-style: chr12-133249767-G-A.
Other names: c.1456C>T (NM_006231.2); short protein forms P486S.
Identifiers: ClinVar variation 576064 (VCV000576064.8), dbSNP rs1565972431, ClinGen allele CA387358132.

ClinVar aggregate classification (germline): Uncertain significance. Review status: criteria provided, multiple submitters, no conflicts (2 of 4 stars). 2 submissions from 2 submitters: Uncertain significance (2). Last evaluated 2024-11-24.

Conditions:
Hereditary cancer-predisposing syndrome. Also called: Tumor predisposition; Hereditary neoplastic syndrome; Hereditary Cancer Syndrome; Neoplastic Syndromes, Hereditary. Identifiers: Orphanet 140162, MedGen C0027672, MeSH D009386, MONDO:0015356.

Allele frequency attached by ClinVar (database versions not stated): gnomAD exomes below 0.00001.
gnomAD v4.1: 1 of 1,608,140 alleles (0.000062%); highest among the groups gnomAD compares: Non-Finnish European, 0.000085%; no homozygotes.

Submissions (2):

Labcorp Genetics (formerly Invitae), Labcorp
Classification: Uncertain significance. Last evaluated: 2024-11-24. Review status: criteria provided, single submitter. Criteria: Invitae Variant Classification Sherloc (09022015). Collection method: clinical testing. Allele origin: germline.
Comment: This sequence change replaces proline, which is neutral and non-polar, with serine, which is neutral and polar, at codon 486 of the POLE protein (p.Pro486Ser). This variant is not present in population databases (gnomAD no frequency). This variant has not been reported in the literature in individuals affected with POLE-related conditions. ClinVar contains an entry for this variant (Variation ID: 576064). Invitae Evidence Modeling of protein sequence and biophysical properties (such as structural, functional, and spatial information, amino acid conservation, physicochemical variation, residue mobility, and thermodynamic stability) indicates that this missense variant is expected to disrupt POLE protein function with a positive predictive value of 80%. In summary, the available evidence is currently insufficient to determine the role of this variant in disease. Therefore, it has been classified as a Variant of Uncertain Significance.

Ambry Genetics
Classification: Uncertain significance for Hereditary cancer-predisposing syndrome. Last evaluated: 2024-03-28. Review status: criteria provided, single submitter. Criteria: Ambry Variant Classification Scheme 2023. Collection method: clinical testing. Allele origin: germline.
Comment: The p.P486S variant (also known as c.1456C>T), located in coding exon 14 of the POLE gene, results from a C to T substitution at nucleotide position 1456. The proline at codon 486 is replaced by serine, an amino acid with similar properties. This amino acid position is conserved. In addition, the in silico prediction for this alteration is inconclusive. Based on the available evidence, the clinical significance of this alteration remains unclear.